The following is an entry in ClinVar:

NM_001267550.2(TTN):c.92191A>G (p.Ile30731Val)

Genes: TTN-AS1 (TTN antisense RNA 1; plus strand), TTN (titin; minus strand). Cytogenetic location: 2q31.2.
Variant type: single nucleotide variant.
Coding change: c.92191A>G on transcript NM_001267550.2 (MANE Select); coding-DNA position 92191, A replaced by G.
Protein change: p.Ile30731Val; replaces isoleucine 30731 with valine.
Molecular consequence: missense variant.
Genome position (GRCh38, 1-based): chr2:178,549,435, T>C on the plus strand (A>G on the coding strand, the complement: TTN is on the minus strand). VCF-style: chr2-178549435-T-C. GRCh37 (hg19) VCF-style: chr2-179414162-T-C.
Other names: p.I28163V:ATA>GTA; c.65572A>G, p.Ile21858Val (NM_133437.4); c.87268A>G, p.Ile29090Val (NM_001256850.1); c.64996A>G, p.Ile21666Val (NM_003319.4); c.84487A>G, p.Ile28163Val (NM_133378.4); c.65371A>G, p.Ile21791Val (NM_133432.3); short protein forms I30731V, I28163V, I29090V, I21666V, I21791V, I21858V.
Identifiers: ClinVar variation 47521 (VCV000047521.42), dbSNP rs16866391, ClinGen allele CA284041.

ClinVar aggregate classification (germline): Benign/Likely benign. Review status: criteria provided, multiple submitters, no conflicts (2 of 4 stars). 29 submissions from 22 submitters: Benign (21); Likely benign (2). 6 of the submissions do not count toward it. Last evaluated 2026-02-04.

Conditions:
Dilated cardiomyopathy 1G (CMD1G). Identifiers: Orphanet 154, MedGen C1858763, MONDO:0011400, OMIM 604145.
Autosomal recessive limb-girdle muscular dystrophy type 2J (LGMDR10). Also called: MUSCULAR DYSTROPHY, LIMB-GIRDLE, AUTOSOMAL RECESSIVE 10; Limb-girdle muscular dystrophy, type 2J. Identifiers: Orphanet 140922, MedGen C1837342, MONDO:0012127, OMIM 608807.
Cardiovascular phenotype. Identifiers: MedGen CN230736.
Cardiomyopathy (CMYO). Also called: Cardiomyopathies. Identifiers: Orphanet 167848, MedGen C0878544, MONDO:0004994, HP:0001638. Inheritance: Various modes of inheritance.
Early-onset myopathy with fatal cardiomyopathy (CMYO5). Also called: CONGENITAL MYOPATHY 5 WITH CARDIOMYOPATHY; Salih Myopathy. Identifiers: Orphanet 289377, MedGen C2673677, MONDO:0012714, OMIM 611705. Disease mechanism: loss of function.
Myopathy, myofibrillar, 9, with early respiratory failure (MFM9). Also called: Myopathy, distal, with early respiratory failure, autosomal dominant; Hereditary myopathy with early respiratory failure; MYOPATHY, PROXIMAL, WITH EARLY RESPIRATORY MUSCLE INVOLVEMENT; EDSTROM MYOPATHY. Identifiers: Orphanet 178464, Orphanet 34521, MedGen C1863599, MONDO:0011362, OMIM 603689.
Tibial muscular dystrophy (TMD). Also called: Udd Distal Myopathy – Tibial Muscular Dystrophy; Tibial muscular dystrophy, tardive; UDD MYOPATHY. Identifiers: Orphanet 609, MedGen C1838244, MONDO:0010870, OMIM 600334.

Allele frequency attached by ClinVar (database versions not stated): gnomAD 0.01568 and 0.01426; ESP Exome Variant Server 0.00198; 1000 Genomes Project 0.03474; 1000 Genomes Project 30x 0.03732; TOPMed 0.02791.
gnomAD v4.1: 17,695 of 1,610,898 alleles (1.1%); highest among the groups gnomAD compares: Admixed American, 18%; 1,504 homozygotes.

Submissions (29):

Labcorp Genetics (formerly Invitae), Labcorp
Classification: Benign for Dilated cardiomyopathy 1G; Autosomal recessive limb-girdle muscular dystrophy type 2J. Last evaluated: 2026-02-04. Review status: criteria provided, single submitter. Criteria: Invitae Variant Classification Sherloc (09022015). Collection method: clinical testing. Allele origin: germline.

ARUP Laboratories, Molecular Genetics and Genomics, ARUP Laboratories
Classification: Benign. Last evaluated: 2025-07-23. Review status: criteria provided, single submitter. Criteria: ARUP Molecular Germline Variant Investigation Process 2024. Collection method: clinical testing. Allele origin: germline.

Molecular Diagnostic Laboratory for Inherited Cardiovascular Disease, Montreal Heart Institute
Classification: Benign. Last evaluated: 2025-04-09. Review status: criteria provided, single submitter. Criteria: ACMG Guidelines, 2015. Collection method: clinical testing. Allele origin: germline. Affected: no.

Genome-Nilou Lab
Classification: Benign for Autosomal recessive limb-girdle muscular dystrophy type 2J. Last evaluated: 2021-09-10. Review status: criteria provided, single submitter. Criteria: ACMG Guidelines, 2015. Collection method: clinical testing. Allele origin: germline. Affected: no.

Genome-Nilou Lab
Classification: Benign for Myopathy, myofibrillar, 9, with early respiratory failure. Last evaluated: 2021-09-10. Review status: criteria provided, single submitter. Criteria: ACMG Guidelines, 2015. Collection method: clinical testing. Allele origin: germline. Affected: no.

Genome-Nilou Lab
Classification: Benign for Early-onset myopathy with fatal cardiomyopathy. Last evaluated: 2021-09-10. Review status: criteria provided, single submitter. Criteria: ACMG Guidelines, 2015. Collection method: clinical testing. Allele origin: germline. Affected: no.

Genome-Nilou Lab
Classification: Benign for Tibial muscular dystrophy. Last evaluated: 2021-09-10. Review status: criteria provided, single submitter. Criteria: ACMG Guidelines, 2015. Collection method: clinical testing. Allele origin: germline. Affected: no.

Women's Health and Genetics/Laboratory Corporation of America, LabCorp
Classification: Likely benign. Last evaluated: 2019-08-19. Review status: criteria provided, single submitter. Criteria: LabCorp Variant Classification Summary - May 2015. Collection method: clinical testing. Allele origin: germline.

Athena Diagnostics
Classification: Benign. Last evaluated: 2019-05-30. Review status: criteria provided, single submitter. Criteria: Athena Diagnostics Criteria. Collection method: clinical testing. Allele origin: germline.

Illumina Laboratory Services, Illumina
Classification: Benign for Early-onset myopathy with fatal cardiomyopathy. Last evaluated: 2018-01-13. Review status: criteria provided, single submitter. Criteria: ICSL Variant Classification Criteria 13 December 2019. Collection method: clinical testing. Allele origin: germline.
Comment: This variant was observed in the ICSL laboratory as part of a predisposition screen in an ostensibly healthy population. It had not been previously curated by ICSL or reported in the Human Gene Mutation Database (HGMD: prior to June 1st, 2018), and was therefore a candidate for classification through an automated scoring system. Utilizing variant allele frequency, disease prevalence and penetrance estimates, and inheritance mode, an automated score was calculated to assess if this variant is too frequent to cause the disease. Based on the score and internal cut-off values, a variant classified as benign is not then subjected to further curation. The score for this variant resulted in a classification of benign for this disease.

Illumina Laboratory Services, Illumina
Classification: Benign for Tibial muscular dystrophy. Last evaluated: 2018-01-13. Review status: criteria provided, single submitter. Criteria: ICSL Variant Classification Criteria 13 December 2019. Collection method: clinical testing. Allele origin: germline.
Comment: the same text as in the submission from Illumina Laboratory Services, Illumina above.

Illumina Laboratory Services, Illumina
Classification: Benign for Myopathy, myofibrillar, 9, with early respiratory failure. Last evaluated: 2018-01-13. Review status: criteria provided, single submitter. Criteria: ICSL Variant Classification Criteria 13 December 2019. Collection method: clinical testing. Allele origin: germline.
Comment: the same text as in the submission from Illumina Laboratory Services, Illumina above.

Illumina Laboratory Services, Illumina
Classification: Benign for Autosomal recessive limb-girdle muscular dystrophy type 2J. Last evaluated: 2018-01-13. Review status: criteria provided, single submitter. Criteria: ICSL Variant Classification Criteria 13 December 2019. Collection method: clinical testing. Allele origin: germline.
Comment: the same text as in the submission from Illumina Laboratory Services, Illumina above.

Illumina Laboratory Services, Illumina
Classification: Benign for Dilated cardiomyopathy 1G. Last evaluated: 2018-01-13. Review status: criteria provided, single submitter. Criteria: ICSL Variant Classification Criteria 13 December 2019. Collection method: clinical testing. Allele origin: germline.
Comment: the same text as in the submission from Illumina Laboratory Services, Illumina above.

Mayo Clinic Laboratories, Mayo Clinic
Classification: Benign. Last evaluated: 2017-07-25. Review status: criteria provided, single submitter. Criteria: ACMG Guidelines, 2015. Collection method: clinical testing. Allele origin: germline. Observed: 92 variant alleles.

CHEO Genetics Diagnostic Laboratory, Children's Hospital of Eastern Ontario
Classification: Benign for Cardiomyopathy. Last evaluated: 2015-11-19. Review status: criteria provided, single submitter. Criteria: ACMG Guidelines, 2015. Collection method: clinical testing. Allele origin: germline. Study: Canadian Open Genetics Repository.

Eurofins Ntd Llc (ga)
Classification: Benign. Last evaluated: 2013-07-23. Review status: criteria provided, single submitter. Criteria: EGL Classification Definitions 2015. Collection method: clinical testing. Allele origin: germline. Observed: 2 variant alleles, 2 heterozygotes.

Biesecker Lab/Clinical Genomics Section, National Institutes of Health
Classification: Benign. Last evaluated: 2013-06-24. Review status: criteria provided, single submitter. Criteria: Ng et al. (Circ Cardiovasc Genet. 2013). Collection method: research. Allele origin: unknown. Observed: 5 variant alleles. Study: ClinSeq.
Comment: The study set was not selected for affection status in relation to any cancer. Pathogenicity categories were based on literature curation. See Pubmed ID:23861362 for details.

Medical sequencing

Ambry Genetics
Classification: Benign for Cardiovascular phenotype. Last evaluated: 2013-01-31. Review status: criteria provided, single submitter. Criteria: Ambry Autosomal Dominant and X-Linked criteria (10/2015). Collection method: clinical testing. Allele origin: germline. Observed: 1 variant allele.

GeneDx
Classification: Benign. Last evaluated: 2012-10-11. Review status: criteria provided, single submitter. Criteria: GeneDx Variant Classification (06012015). Collection method: clinical testing. Allele origin: germline. Affected: yes.
Comment: This variant is considered likely benign or benign based on one or more of the following criteria: it is a conservative change, it occurs at a poorly conserved position in the protein, it is predicted to be benign by multiple in silico algorithms, and/or has population frequency not consistent with disease.

Laboratory for Molecular Medicine, Mass General Brigham Personalized Medicine
Classification: Benign. Last evaluated: 2012-07-30. Review status: criteria provided, single submitter. Criteria: LMM Criteria. Collection method: clinical testing. Allele origin: germline. Observed: 58 variant alleles.

Breakthrough Genomics
Classification: Likely benign. Review status: criteria provided, single submitter. Criteria: ACMG Guidelines, 2015. Collection method: not provided. Allele origin: germline. Inheritance: Autosomal recessive inheritance. Affected: yes.

PreventionGenetics, part of Exact Sciences
Classification: Benign. Review status: criteria provided, single submitter. Criteria: ACMG Guidelines, 2015. Collection method: clinical testing. Allele origin: germline.

Clinical Genetics DNA and cytogenetics Diagnostics Lab, Erasmus MC, Erasmus Medical Center
Classification: Benign. Review status: no assertion criteria provided. Collection method: clinical testing. Allele origin: germline. Affected: yes. Study: VKGL Data-share Consensus. Not counted in ClinVar's aggregate classification.

Clinical Genetics, Academic Medical Center
Classification: Benign. Review status: no assertion criteria provided. Collection method: clinical testing. Allele origin: germline. Affected: yes. Study: VKGL Data-share Consensus. Not counted in ClinVar's aggregate classification.

Genetic Services Laboratory, University of Chicago
Classification: Likely benign for AllHighlyPenetrant. Review status: no assertion criteria provided. Collection method: clinical testing. Allele origin: germline. Not counted in ClinVar's aggregate classification.
Comment: Likely benign based on allele frequency in 1000 Genomes Project or ESP global frequency and its presence in a patient with a rare or unrelated disease phenotype. NOT Sanger confirmed.

Genome Diagnostics Laboratory, University Medical Center Utrecht
Classification: Benign. Review status: no assertion criteria provided. Collection method: clinical testing. Allele origin: germline. Affected: yes. Study: VKGL Data-share Consensus. Not counted in ClinVar's aggregate classification.

Joint Genome Diagnostic Labs from Nijmegen and Maastricht, Radboudumc and MUMC+
Classification: Benign. Review status: no assertion criteria provided. Collection method: clinical testing. Allele origin: germline. Affected: yes. Study: VKGL Data-share Consensus. Not counted in ClinVar's aggregate classification.

Laboratory of Diagnostic Genome Analysis, Leiden University Medical Center (LUMC)
Classification: Likely benign. Review status: no assertion criteria provided. Collection method: clinical testing. Allele origin: germline. Affected: yes. Study: VKGL Data-share Consensus. Not counted in ClinVar's aggregate classification.

Literature cited by the submitters: PubMed 17344846 (cited by Athena Diagnostics).